The following is an entry in ClinVar:

ClinVar aggregate classification (germline): Benign/Likely benign (0 of 4 stars; one submission).

Submission:

ISCA Site 6
Classification: Benign/Likely benign. Review status: no assertion criteria provided. Collection method: clinical testing. Allele origin: unknown. Affected: yes. Observed: 4 variant alleles. Clinical features observed: Developmental delay AND/OR other significant developmental or morphological phenotypes.
Comment: Likely benign (3), Benign (1)

Copy number variation identified through the course of routine clinical cytogenomic testing in postnatal populations, with clinical assertions as classified by the original submitter. For data from the original published study, Kaminsky, et al. 2011 (PubMed 21844811), please see nstd101.

GRCh37/hg19 12q24.12-24.13(chr12:112194796-112304163)x3

Genes: ACAD10 (acyl-CoA dehydrogenase family member 10; plus strand), ALDH2 (aldehyde dehydrogenase 2 family member; plus strand), MAPKAPK5 (MAPK activated protein kinase 5; plus strand). Cytogenetic location: 12q24.12-24.13.
Variant type: copy number gain.
Change: copy number 3 (three copies instead of two) of chr12:112,194,796-112,304,163 (109.4 kb, GRCh37 coordinates, 1-based), cytogenetic band 12q24.12-24.13.
Identifiers: ClinVar variation 394458 (VCV000394458.3).